The following is an entry in ClinVar:

GRCh37/hg19 13q31.3-33.2(chr13:93535335-105788229)x1

Genes: ABCC4 (ATP binding cassette subfamily C member 4 (PEL blood group); minus strand), BIVM (basic, immunoglobulin-like variable motif containing; plus strand), BIVM-ERCC5 (BIVM-ERCC5 readthrough; plus strand), CLDN10 (claudin 10; plus strand), CLYBL (citramalyl-CoA lyase; plus strand) and 37 more. Cytogenetic location: 13q31.3-33.2.
Variant type: copy number loss.
Change: copy number 1 (one copy instead of two) of chr13:93,535,335-105,788,229 (12.25 Mb, GRCh37 coordinates, 1-based), cytogenetic band 13q31.3-33.2.
Identifiers: ClinVar variation 1808276 (VCV001808276.1).

ClinVar aggregate classification (germline): Pathogenic (1 of 4 stars; one submission).

Submission:

Quest Diagnostics Nichols Institute San Juan Capistrano
Classification: Pathogenic. Last evaluated: 2022-06-13. Review status: criteria provided, single submitter. Criteria: ACMG/ClinGen CNV Guidelines, 2019. Collection method: clinical testing. Allele origin: unknown.
Comment: This copy number loss is expected to cause phenotypic and developmental abnormalities. This deletion interval involves multiple genes including the entire ZIC2 (OMIM 603073). Haploinsufficiency of ZIC2 have been associated with autosomal dominant holoprosencephaly-5 (HPE5) (OMIM 609637) (Kruska et al., Brain. 2019 Sep 1;142(9):2631-2643. PMID: 31334757; Roessler et al., Hum Mutat. 2018 Oct;39(10):1416-1427. PMID: 29992659 Ramocki et al., Am J Med Genet A. 2011 Jul;155A(7):1574-80. PMID: 21638761; Solomon et al., J Med Genet. 2010 Aug;47(8):513-24. PMID: 19955556). Patients with 13q32.2q32.3 deletions, which has been proposed to be a critical region for cerebellar dysgenesis, have been reported with cerebellar vermis hypoplasia, or Dandy-Walker syndrome (Mimaki et al., Brain Dev. 2015 Aug;37(7):714-8. PMID: 25454392). Further, overlapping distal deletions of 13q have been reported in patients with holoprosencephaly, along with varied phenotypic abnormalities including congenital heart defects, intellectual disability, distinct facial features, microcephaly (Ali et al., Biochem Genet. 2020 Feb;58(1):74-101. PMID: 31273557; QuÃ©lin et al., Eur J Med Genet. 2009 Jan-Feb;52(1):41-6. PMID: 19022413; Wang et al., Mol Med Rep. 2017 Jun;15(6):3658-3664. PMID: 28393221; Huang et al., Gene. 2012 May 1;498(2):308-10. PMID: 22366306; Walczak-Sztulpa et al., Am J Med Genet A. 2008 Feb 1;146A(3):337-42. PMID: 18203171). In addition, the current deleted interval also encompasses the chromosome 13q32 deletion syndrome region that associates with congenital microcoria, a congenital miosis that is characterized by bilateral small pupils (diameter less than 2 mm) that result from an underdevelopment of the dilator pupillae muscle of the iris (OMIM 156600).